The following is an entry in ClinVar:

ClinVar aggregate classification (germline): Conflicting classifications of pathogenicity. Review status: criteria provided, conflicting classifications (1 of 4 stars). 3 submissions from 3 submitters: Likely pathogenic (1); Uncertain significance (1). 1 of the submissions does not count toward it. Last evaluated 2025-12-13.

Conditions:
Polycystic kidney disease 8. Identifiers: MedGen C5935640, MONDO:0971178, OMIM 620903.
Renal-hepatic-pancreatic dysplasia 2 (RHPD2). Identifiers: MedGen C3809434, MONDO:0014174, OMIM 615415.
Nephronophthisis 9 (NPHP9). Identifiers: Orphanet 655, MedGen C3151188, MONDO:0013444, OMIM 613824.

Allele frequency attached by ClinVar (database versions not stated): ExAC 0.00002; gnomAD exomes 0.00003 and 0.00008; gnomAD 0.00007 and 0.00009; ESP Exome Variant Server 0.00008; TOPMed 0.00009.

Submissions (3):

Labcorp Genetics (formerly Invitae), Labcorp
Classification: Uncertain significance for Nephronophthisis 9. Last evaluated: 2025-12-13. Review status: criteria provided, single submitter. Criteria: Invitae Variant Classification Sherloc (09022015). Collection method: clinical testing. Allele origin: germline.
Comment: This sequence change replaces threonine, which is neutral and polar, with methionine, which is neutral and non-polar, at codon 348 of the NEK8 protein (p.Thr348Met). This variant is present in population databases (rs376531637, gnomAD 0.004%). This missense change has been observed in individual(s) with clinical features of NEK8-related conditions (PMID: 26697755). It has also been observed to segregate with disease in related individuals. ClinVar contains an entry for this variant (Variation ID: 490178). An algorithm developed to predict the effect of missense changes on protein structure and function (PolyPhen-2) suggests that this variant is likely to be disruptive. In summary, the available evidence is currently insufficient to determine the role of this variant in disease. Therefore, it has been classified as a Variant of Uncertain Significance.

Juno Genomics, Hangzhou Juno Genomics, Inc
Classification: Likely pathogenic for Nephronophthisis 9; Renal-hepatic-pancreatic dysplasia 2; Polycystic kidney disease 8. Review status: criteria provided, single submitter. Criteria: ACMG Guidelines, 2015. Collection method: clinical testing. Allele origin: germline.
Comment: Absent from controls (or at extremely low frequency if recessive) in Genome Aggregation Database.;Multiple lines of computational evidence support a deleterious effect on the gene or gene product.;For recessive disorders, detected in trans with a pathogenic variant.;Patient's phenotype or family history is highly specific for a disease with a single genetic etiology.;Co-segregation with disease in multiple affected family members.

OMIM
Classification: Pathogenic for RENAL-HEPATIC-PANCREATIC DYSPLASIA 2. Last evaluated: 2018-02-14. Review status: no assertion criteria provided. Collection method: literature only. Allele origin: germline. Not counted in ClinVar's aggregate classification.

Literature cited by the submitters: PubMed 26697755 (cited by Labcorp Genetics (formerly Invitae), Labcorp and OMIM).

NM_178170.3(NEK8):c.1043C>T (p.Thr348Met)

Gene: NEK8 (NIMA related kinase 8; plus strand). Cytogenetic location: 17q11.2.
Variant type: single nucleotide variant.
Coding change: c.1043C>T on transcript NM_178170.3 (MANE Select); coding-DNA position 1043, C replaced by T.
Protein change: p.Thr348Met; replaces threonine 348 with methionine.
Molecular consequence: missense variant.
Genome position (GRCh38, 1-based): chr17:28,737,972, C>T. VCF-style: chr17-28737972-C-T. GRCh37 (hg19) VCF-style: chr17-27064990-C-T.
Other names: short protein forms T348M.
Identifiers: ClinVar variation 490178 (VCV000490178.7), dbSNP rs376531637, ClinGen allele CA8467277.
Genomic context (GRCh38, chr17:28,737,972, plus strand): 5'-CAATGCTCAACACAGAGGTGGTCCAGGTGGCAGCTGGGCGCACGCAGAAAGCCGGCGTCA[C>T]GCGCTCTGGGCGTCTCATCCTGTGGGAGGTGAGCAGGCCAGGGGGTGGCCTGGATGGGTG-3'
Protein context (NP_835464.1, residues 338-358): AAGRTQKAGV[Thr348Met]RSGRLILWEA